The following is an entry in ClinVar:

ClinVar aggregate classification (germline): Pathogenic (1 of 4 stars; one submission).

Submission:

GeneDx
Classification: Pathogenic. Last evaluated: 2016-07-27. Review status: criteria provided, single submitter. Criteria: GeneDx Variant Classification (06012015). Collection method: clinical testing. Allele origin: germline. Affected: yes.
Comment: The c.256delC pathogenic variant in the UBE3B gene has not been reported previously as a pathogenic variant nor as a benign variant, to our knowledge. The c.256delC variant causes a frameshift starting with codon Leucine 86, changes this amino acid to a Tyrosine residue, and creates a premature Stop codon at position 19 of the new reading frame, denoted p.Leu86TyrfsX19. This variant is predicted to cause loss of normal protein function either through protein truncation or nonsense-mediated mRNA decay. The c.256delC variant was not observed at any significant frequency in approximately 6,500 individuals of European and African American ancestry in the NHLBI Exome Sequencing Project, indicating it is not a common benign variant in these populations. We interpret c.256delC as a pathogenic variant.

NM_130466.4(UBE3B):c.256del (p.Leu86fs)

Gene: UBE3B (ubiquitin protein ligase E3B; plus strand). Cytogenetic location: 12q24.11.
Variant type: Deletion.
Coding change: c.256del on transcript NM_130466.4 (MANE Select); coding-DNA position 256, one base deleted (C; older notation c.256delC).
Protein change: p.Leu86fs; shifts the reading frame from leucine 86.
Molecular consequence: frameshift variant.
Genome position (GRCh38, 1-based): chr12:109,483,955, C deleted; the last of 2 consecutive C bases (chr12:109,483,954-109,483,955); deleting either gives the same sequence. VCF-style (leftmost placement, unchanged base first): chr12-109483953-TC-T. GRCh37 (hg19) VCF-style: chr12-109921758-TC-T.
Other names: c.256del, p.Leu86fs (NM_001270449.2, NM_001270450.2, NM_001270451.2 and 1 more transcripts); short protein forms L86fs.
Identifiers: ClinVar variation 280737 (VCV000280737.2), dbSNP rs771222229, ClinGen allele CA6777426.